The following is an entry in ClinVar:

ClinVar aggregate classification (germline): Uncertain significance. Review status: criteria provided, multiple submitters, no conflicts (2 of 4 stars). 2 submissions from 2 submitters: Uncertain significance (2). Last evaluated 2026-01-20.

Conditions:
Hereditary cancer-predisposing syndrome. Also called: Tumor predisposition; Hereditary Cancer Syndrome; Hereditary neoplastic syndrome; Neoplastic Syndromes, Hereditary. Identifiers: Orphanet 140162, MedGen C0027672, MeSH D009386, MONDO:0015356.
Familial meningioma. Also called: Meningioma, familial, susceptibility to. Identifiers: Orphanet 263662, MedGen C3551915, MONDO:0011789, OMIM 607174.

Submissions (2):

Ambry Genetics
Classification: Uncertain significance for Hereditary cancer-predisposing syndrome. Last evaluated: 2026-01-20. Review status: criteria provided, single submitter. Criteria: Ambry Variant Classification Scheme 2023. Collection method: clinical testing. Allele origin: germline.
Comment: The p.R424P variant (also known as c.1271G>C), located in coding exon 12 of the NF2 gene, results from a G to C substitution at nucleotide position 1271. The arginine at codon 424 is replaced by proline, an amino acid with dissimilar properties. This amino acid position is highly conserved in available vertebrate species. In addition, the in silico prediction for this alteration is inconclusive. Based on the available evidence, the clinical significance of this variant remains unclear.

Baylor Genetics
Classification: Uncertain significance for Familial meningioma. Last evaluated: 2023-10-13. Review status: criteria provided, single submitter. Criteria: ACMG Guidelines, 2015. Collection method: clinical testing. Allele origin: unknown.

NM_000268.4(NF2):c.1271G>C (p.Arg424Pro)

Gene: NF2 (NF2, moesin-ezrin-radixin like (MERLIN) tumor suppressor; plus strand). Cytogenetic location: 22q12.2.
Variant type: single nucleotide variant.
Coding change: c.1271G>C on transcript NM_000268.4 (MANE Select); coding-DNA position 1271, G replaced by C.
Protein change: p.Arg424Pro; replaces arginine 424 with proline.
Molecular consequence: missense variant. On other transcripts: intron variant (1).
Genome position (GRCh38, 1-based): chr22:29,673,417, G>C. VCF-style: chr22-29673417-G-C. GRCh37 (hg19) VCF-style: chr22-30069406-G-C.
Other names: c.1157G>C, p.Arg386Pro (NM_001407053.1, NM_001407056.1); c.1148G>C, p.Arg383Pro (NM_001407054.1, NM_001407058.1, NM_181829.3); c.1145G>C, p.Arg382Pro (NM_001407055.1, NM_181828.3); c.1136G>C, p.Arg379Pro (NM_001407057.1, NM_001407059.1); c.1271G>C, p.Arg424Pro (NM_001407060.1, NM_001407066.1, NM_016418.5 and 2 more transcripts); c.1013G>C, p.Arg338Pro (NM_001407062.1); c.1022G>C, p.Arg341Pro (NM_001407063.1, NM_001407064.1, NM_181830.3 and 1 more transcripts); c.737G>C, p.Arg246Pro (NM_001407065.1); and 2 more; short protein forms R246P, R338P, R341P, R347P, R379P, R382P, R383P, R386P.
Identifiers: ClinVar variation 2677244 (VCV002677244.2), dbSNP rs751182657, ClinGen allele CA411148398.